The following is an entry in ClinVar:

ClinVar aggregate classification (germline): Uncertain significance (1 of 4 stars; one submission).

Conditions:
Cardiovascular phenotype. Identifiers: MedGen CN230736.

Submission:

Ambry Genetics
Classification: Uncertain significance for Cardiovascular phenotype. Last evaluated: 2025-11-24. Review status: criteria provided, single submitter. Criteria: Ambry Variant Classification Scheme 2023. Collection method: clinical testing. Allele origin: germline.
Comment: The p.Q318H variant (also known as c.954A>C), located in coding exon 2 of the RBM20 gene, results from an A to C substitution at nucleotide position 954. The glutamine at codon 318 is replaced by histidine, an amino acid with highly similar properties. This amino acid position is conserved. In addition, this alteration is predicted to be tolerated by in silico analysis. Based on the available evidence, the clinical significance of this variant remains unclear.

NM_001134363.3(RBM20):c.954A>C (p.Gln318His)

Gene: RBM20 (RNA binding motif protein 20; plus strand). Cytogenetic location: 10q25.2.
Variant type: single nucleotide variant.
Coding change: c.954A>C on transcript NM_001134363.3 (MANE Select); coding-DNA position 954, A replaced by C.
Protein change: p.Gln318His; replaces glutamine 318 with histidine.
Molecular consequence: missense variant.
Genome position (GRCh38, 1-based): chr10:110,781,563, A>C. VCF-style: chr10-110781563-A-C. GRCh37 (hg19) VCF-style: chr10-112541321-A-C.
Other names: short protein forms Q318H.
Identifiers: ClinVar variation 4614832 (VCV004614832.1).